The following is an entry in ClinVar:

NM_173842.3(IL1RN):c.376A>T (p.Ile126Phe)

Gene: IL1RN (interleukin 1 receptor antagonist; plus strand). Cytogenetic location: 2q14.1.
Variant type: single nucleotide variant.
Coding change: c.376A>T on transcript NM_173842.3 (MANE Select); coding-DNA position 376, A replaced by T.
Protein change: p.Ile126Phe; replaces isoleucine 126 with phenylalanine.
Molecular consequence: missense variant.
Genome position (GRCh38, 1-based): chr2:113,132,713, A>T. VCF-style: chr2-113132713-A-T. GRCh37 (hg19) VCF-style: chr2-113890290-A-T.
Other names: c.322A>T, p.Ile108Phe (NM_000577.5); c.274A>T, p.Ile92Phe (NM_001318914.2, NM_001379360.1, NM_173843.3); c.385A>T, p.Ile129Phe (NM_173841.3); short protein forms I108F, I126F, I129F, I92F.
Identifiers: ClinVar variation 3612365 (VCV003612365.2).

ClinVar aggregate classification (germline): Uncertain significance (1 of 4 stars; one submission).

Conditions:
Sterile multifocal osteomyelitis with periostitis and pustulosis. Also called: CHRONIC RECURRENT MULTIFOCAL OSTEOMYELITIS 2, WITH PERIOSTITIS AND PUSTULOSIS. Identifiers: Orphanet 210115, MedGen C2748507, MONDO:0013021, OMIM 612852.

Submission:

Labcorp Genetics (formerly Invitae), Labcorp
Classification: Uncertain significance for Sterile multifocal osteomyelitis with periostitis and pustulosis. Last evaluated: 2024-11-19. Review status: criteria provided, single submitter. Criteria: Invitae Variant Classification Sherloc (09022015). Collection method: clinical testing. Allele origin: germline.
Comment: This sequence change replaces isoleucine, which is neutral and non-polar, with phenylalanine, which is neutral and non-polar, at codon 129 of the IL1RN protein (p.Ile129Phe). This variant is not present in population databases (gnomAD no frequency). This variant has not been reported in the literature in individuals affected with IL1RN-related conditions. An algorithm developed to predict the effect of missense changes on protein structure and function (PolyPhen-2) suggests that this variant is likely to be disruptive. In summary, the available evidence is currently insufficient to determine the role of this variant in disease. Therefore, it has been classified as a Variant of Uncertain Significance.